The following is an entry in ClinVar:

ClinVar aggregate classification (germline): Likely benign (1 of 4 stars; one submission).

Conditions:
Osteopetrosis. Identifiers: Orphanet 2781, MedGen C0029454, MONDO:0017198, HP:0011002.

Allele frequency attached by ClinVar (database versions not stated): gnomAD 0.00021 and 0.00024; TOPMed 0.00028; 1000 Genomes Project 0.00060; 1000 Genomes Project 30x 0.00062.

Submission:

Illumina Laboratory Services, Illumina
Classification: Likely benign for Osteopetrosis. Last evaluated: 2018-01-13. Review status: criteria provided, single submitter. Criteria: ICSL Variant Classification Criteria 13 December 2019. Collection method: clinical testing. Allele origin: germline.
Comment: This variant was observed in the ICSL laboratory as part of a predisposition screen in an ostensibly healthy population. It had not been previously curated by ICSL or reported in the Human Gene Mutation Database (HGMD: prior to June 1st, 2018), and was therefore a candidate for classification through an automated scoring system. Utilizing variant allele frequency, disease prevalence and penetrance estimates, and inheritance mode, an automated score was calculated to assess if this variant is too frequent to cause the disease. Based on the score and internal cut-off values, a variant classified as likely benign is not then subjected to further curation. The score for this variant resulted in a classification of likely benign for this disease.

NM_001287.6(CLCN7):c.*1685G>A

Gene: CLCN7 (chloride voltage-gated channel 7; minus strand). Cytogenetic location: 16p13.3.
Variant type: single nucleotide variant.
Coding change: c.*1685G>A on transcript NM_001287.6 (MANE Select); 1685 bases downstream of the stop codon, G replaced by A.
Molecular consequence: 3 prime UTR variant.
Genome position (GRCh38, 1-based): chr16:1,444,946, C>T on the plus strand (G>A on the coding strand, the complement: CLCN7 is on the minus strand). VCF-style: chr16-1444946-C-T. GRCh37 (hg19) VCF-style: chr16-1494947-C-T.
Other names: c.*1685G>A (NM_001114331.3).
Identifiers: ClinVar variation 317902 (VCV000317902.5), dbSNP rs376387077, ClinGen allele CA10637101.